The following is an entry in ClinVar:

NM_022437.3(ABCG8):c.1826del (p.Ser609fs)

Gene: ABCG8 (ATP binding cassette subfamily G member 8; plus strand). Cytogenetic location: 2p21.
Variant type: Deletion.
Coding change: c.1826del on transcript NM_022437.3 (MANE Select); coding-DNA position 1826, one base deleted (G; older notation c.1826delG).
Protein change: p.Ser609fs; shifts the reading frame from serine 609.
Molecular consequence: frameshift variant.
Genome position (GRCh38, 1-based): chr2:43,877,630, G deleted. VCF-style (leftmost placement, unchanged base first): chr2-43877629-AG-A. GRCh37 (hg19) VCF-style: chr2-44104768-AG-A.
Other names: c.1823del, p.Ser608fs (NM_001357321.2); short protein forms S608fs, S609fs.
Identifiers: ClinVar variation 5003052 (VCV005003052.1).
Genomic context (GRCh38, chr2:43,877,629, plus strand): 5'-TGGATTTCCAAAGTGTCCTTCCTGCGGTGGTGTTTTGAAGGGCTGATGAAGATTCAGTTC[AG>A]CAGAAGAACTTATAAAATGCCTCTCGGGAACCTCACCATCGCGGTCTCAGGAGATAAAGT-3'

ClinVar aggregate classification (germline): Likely pathogenic (1 of 4 stars; one submission).

Conditions:
Gallbladder disease 4 (GBD4). Identifiers: MedGen C1969115, MONDO:1010151, OMIM 611465.

Submission:

OLLIN Analises Genomicas, OLLIN
Classification: Likely pathogenic for Gallbladder disease 4. Last evaluated: 2026-08-06. Review status: criteria provided, single submitter. Criteria: ACMG Guidelines 2015 PMID 25741868. Collection method: clinical testing. Allele origin: germline.
Comment: This frameshift variant, located in exon 12 (of 13), is absent from gnomAD and ClinVar and has not been identified in the literature. This variant causes a frameshift and introduces a premature stop codon, which is predicted to result in either a truncated protein or degradation of the mRNA via nonsense-mediated decay (NMD). According to the currently available evidence, this variant has been classified as likely pathogenic (PVS1, PM2_P).